The following is an entry in ClinVar:

ClinVar aggregate classification (germline): Likely benign. Review status: criteria provided, multiple submitters, no conflicts (2 of 4 stars). 6 submissions from 6 submitters: Likely benign (6). Last evaluated 2026-01-14.

Conditions:
Arrhythmogenic right ventricular cardiomyopathy (ARVD). Also called: Arrhythmogenic cardiomyopathy; Arrhythmogenic Right Ventricular Cardiomyopathy (ARVC); Cardiomyopathy, ARVC; Arrhythmogenic right ventricular dysplasia. Identifiers: Orphanet 247, MedGen C0349788, MeSH D019571, MONDO:0016587. Disease mechanism: loss of function. Inheritance: Various modes of inheritance.
Cardiomyopathy (CMYO). Also called: Cardiomyopathies. Identifiers: Orphanet 167848, MedGen C0878544, MONDO:0004994, HP:0001638. Inheritance: Various modes of inheritance.
Arrhythmogenic right ventricular dysplasia 9 (ARVD9). Also called: Arrhythmogenic Right Ventricular Dysplasia/Cardiomyopathy 9; ARRHYTHMOGENIC RIGHT VENTRICULAR DYSPLASIA, FAMILIAL, 9. Identifiers: MedGen C1836906, MONDO:0012180, OMIM 609040.
Cardiovascular phenotype. Identifiers: MedGen CN230736.

Allele frequency attached by ClinVar (database versions not stated): ExAC 0.00002; gnomAD 0.00002 and 0.00003; TOPMed 0.00003; gnomAD exomes 0.00004 and 0.00012.
gnomAD v4.1: 181 of 1,613,642 alleles (0.011%); highest among the groups gnomAD compares: Non-Finnish European, 0.015%; no homozygotes.

Submissions (6):

Labcorp Genetics (formerly Invitae), Labcorp
Classification: Likely benign for Arrhythmogenic right ventricular dysplasia 9. Last evaluated: 2026-01-14. Review status: criteria provided, single submitter. Criteria: Invitae Variant Classification Sherloc (09022015). Collection method: clinical testing. Allele origin: germline.

Blueprint Genetics
Classification: Likely benign. Last evaluated: 2023-12-21. Review status: criteria provided, single submitter. Criteria: ACMG Guidelines, 2015. Collection method: clinical testing. Allele origin: germline.

All of Us Research Program, National Institutes of Health
Classification: Likely benign for Arrhythmogenic right ventricular cardiomyopathy. Last evaluated: 2023-12-01. Review status: criteria provided, single submitter. Criteria: ACMG Guidelines, 2015. Collection method: clinical testing. Allele origin: germline. Inheritance: Autosomal dominant inheritance. Observed: 17 variant alleles, 17 heterozygotes.
Comment: This study involves interpretation of variants in research participants for the purpose of population health screening. Participant phenotype was not available at the time of variant classification. Additional details can be found in publication PMID: 35346344, PMCID: PMC8962531

Ambry Genetics
Classification: Likely benign for Cardiovascular phenotype. Last evaluated: 2020-08-17. Review status: criteria provided, single submitter. Criteria: Ambry Variant Classification Scheme 2023. Collection method: clinical testing. Allele origin: germline.

GeneDx
Classification: Likely benign. Last evaluated: 2020-05-18. Review status: criteria provided, single submitter. Criteria: GeneDx Variant Classification Process June 2021. Collection method: clinical testing. Allele origin: germline. Affected: yes.

Color Diagnostics, LLC DBA Color Health
Classification: Likely benign for Cardiomyopathy. Last evaluated: 2018-10-17. Review status: criteria provided, single submitter. Criteria: ACMG Guidelines, 2015. Collection method: clinical testing. Allele origin: germline.

NM_001005242.3(PKP2):c.2487C>T (p.Ala829=)

Gene: PKP2 (plakophilin 2; minus strand). Cytogenetic location: 12p11.21.
Variant type: single nucleotide variant.
Coding change: c.2487C>T on transcript NM_001005242.3 (MANE Select); coding-DNA position 2487, C replaced by T.
Protein change: p.Ala829=; no amino-acid change (alanine 829 retained).
Molecular consequence: synonymous variant.
Genome position (GRCh38, 1-based): chr12:32,792,451, G>A on the plus strand (C>T on the coding strand, the complement: PKP2 is on the minus strand). VCF-style: chr12-32792451-G-A. GRCh37 (hg19) VCF-style: chr12-32945385-G-A.
Other names: c.2619C>T, p.Ala873= (NM_004572.4).
Identifiers: ClinVar variation 533046 (VCV000533046.18), dbSNP rs747191995, ClinGen allele CA036309.
Genomic context (GRCh38, chr12:32,792,451, plus strand): 5'-ATTTTTGCAGCCGAGAATACTTTGTCATTTTCCTCAGTCTTTAAGGGAGTGGTAGGCTTT[G>A]GCAGTCCGGCTGTTGACAAAATCTGTCTTCTTAAACTGAGCCTTTGGAATAAGCAAACAG-3'
Protein context (NP_001005242.2, residues 819-837): KKTDFVNSRT[Ala829=]KAYHSLKD